The following is an entry in ClinVar:

NM_003482.4(KMT2D):c.2156C>T (p.Pro719Leu)

Gene: KMT2D (lysine methyltransferase 2D; minus strand). Cytogenetic location: 12q13.12.
Variant type: single nucleotide variant.
Coding change: c.2156C>T on transcript NM_003482.4 (MANE Select); coding-DNA position 2156, C replaced by T.
Protein change: p.Pro719Leu; replaces proline 719 with leucine.
Molecular consequence: missense variant.
Genome position (GRCh38, 1-based): chr12:49,051,527, G>A on the plus strand (C>T on the coding strand, the complement: KMT2D is on the minus strand). VCF-style: chr12-49051527-G-A. GRCh37 (hg19) VCF-style: chr12-49445310-G-A.
Other names: short protein forms P719L.
Identifiers: ClinVar variation 94197 (VCV000094197.30), dbSNP rs185660524, ClinGen allele CA160491.

ClinVar aggregate classification (germline): Benign/Likely benign. Review status: criteria provided, multiple submitters, no conflicts (2 of 4 stars). 10 submissions from 10 submitters: Benign (5); Likely benign (4). 1 of the submissions does not count toward it. Last evaluated 2026-09-01.

Conditions:
Kabuki syndrome. Also called: NIIKAWA-KUROKI SYNDROME; Kabuki make-up syndrome. Identifiers: Orphanet 2322, MedGen C0796004, MONDO:0016512.
Kabuki syndrome 1 (KABUK1). Also called: KMT2D-Related Kabuki Syndrome. Identifiers: Orphanet 2322, MedGen CN030661, MONDO:0007843, OMIM 147920.

Allele frequency attached by ClinVar (database versions not stated): TOPMed 0.00199; gnomAD exomes 0.00263 and 0.00058; ExAC 0.00205; gnomAD 0.00121 and 0.00127; 1000 Genomes Project 0.00240; ESP Exome Variant Server 0.00057; 1000 Genomes Project 30x 0.00265.
gnomAD v4.1: 1,041 of 1,613,556 alleles (0.065%); highest among the groups gnomAD compares: Admixed American, 1.3%; 12 homozygotes.

Submissions (10):

CeGaT Center for Human Genetics Tuebingen
Classification: Likely benign. Last evaluated: 2026-09-01. Review status: criteria provided, single submitter. Criteria: CeGaT Center For Human Genetics Tuebingen Variant Classification Criteria Version 2. Collection method: clinical testing. Allele origin: germline. Affected: yes. Observed: 16 variant alleles.
Comment: KMT2D: BP4, BS1

Labcorp Genetics (formerly Invitae), Labcorp
Classification: Benign for Kabuki syndrome. Last evaluated: 2026-02-03. Review status: criteria provided, single submitter. Criteria: Invitae Variant Classification Sherloc (09022015). Collection method: clinical testing. Allele origin: germline.

ARUP Laboratories, Molecular Genetics and Genomics, ARUP Laboratories
Classification: Benign. Last evaluated: 2024-08-12. Review status: criteria provided, single submitter. Criteria: ARUP Molecular Germline Variant Investigation Process 2024. Collection method: clinical testing. Allele origin: germline.

GeneDx
Classification: Benign. Last evaluated: 2018-11-15. Review status: criteria provided, single submitter. Criteria: GeneDx Variant Classification Process June 2021. Collection method: clinical testing. Allele origin: germline. Affected: yes.
Comment: This variant is associated with the following publications: (PMID: 24728327)

Athena Diagnostics
Classification: Benign. Last evaluated: 2017-06-27. Review status: criteria provided, single submitter. Criteria: Athena Diagnostics Criteria. Collection method: clinical testing. Allele origin: germline.

Center for Human Genetics, Inc
Classification: Likely benign for Kabuki syndrome 1. Last evaluated: 2016-11-01. Review status: criteria provided, single submitter. Criteria: ACMG Guidelines, 2015. Collection method: clinical testing. Allele origin: germline. Affected: yes.

Eurofins Ntd Llc (ga)
Classification: Benign. Last evaluated: 2015-11-11. Review status: criteria provided, single submitter. Criteria: EGL Classification Definitions 2015. Collection method: clinical testing. Allele origin: germline. Observed: 3 variant alleles, 3 heterozygotes.

Breakthrough Genomics
Classification: Likely benign. Review status: criteria provided, single submitter. Criteria: ACMG Guidelines, 2015. Collection method: not provided. Allele origin: germline. Inheritance: Autosomal dominant inheritance. Affected: yes.

PreventionGenetics, part of Exact Sciences
Classification: Likely benign. Review status: criteria provided, single submitter. Criteria: ACMG Guidelines, 2015. Collection method: clinical testing. Allele origin: germline.

ITMI
No classification provided. Condition: AllHighlyPenetrant. Last evaluated: 2013-09-19. Review status: no classification provided. Collection method: reference population. Allele origin: germline. Not counted in ClinVar's aggregate classification.
Comment: Please see associated publication for description of ethnicities

Literature cited by the submitters: PubMed 24728327 (cited by ITMI).